The following is an entry in ClinVar:

ClinVar aggregate classification (germline): Uncertain significance. Review status: criteria provided, multiple submitters, no conflicts (2 of 4 stars). 2 submissions from 2 submitters: Uncertain significance (2). Last evaluated 2024-12-02.

gnomAD v4.1: 119 of 1,605,212 alleles (0.0074%); highest among the groups gnomAD compares: South Asian, 0.1%; 1 homozygote.

Submissions (2):

Labcorp Genetics (formerly Invitae), Labcorp
Classification: Uncertain significance. Last evaluated: 2024-12-02. Review status: criteria provided, single submitter. Criteria: Invitae Variant Classification Sherloc (09022015). Collection method: clinical testing. Allele origin: germline.
Comment: This sequence change replaces threonine, which is neutral and polar, with methionine, which is neutral and non-polar, at codon 934 of the CPAMD8 protein (p.Thr934Met). This variant is present in population databases (rs557916855, gnomAD 0.08%). This variant has not been reported in the literature in individuals affected with CPAMD8-related conditions. An algorithm developed to predict the effect of missense changes on protein structure and function (PolyPhen-2) suggests that this variant is likely to be disruptive. In summary, the available evidence is currently insufficient to determine the role of this variant in disease. Therefore, it has been classified as a Variant of Uncertain Significance.

Blueprint Genetics
Classification: Uncertain significance. Last evaluated: 2024-05-23. Review status: criteria provided, single submitter. Criteria: ACMG Guidelines, 2015. Collection method: clinical testing. Allele origin: germline.

NM_015692.5(CPAMD8):c.2660C>T (p.Thr887Met)

Gene: CPAMD8 (C3 and PZP like alpha-2-macroglobulin domain containing 8; minus strand). Cytogenetic location: 19p13.11.
Variant type: single nucleotide variant.
Coding change: c.2660C>T on transcript NM_015692.5 (MANE Select); coding-DNA position 2660, C replaced by T.
Protein change: p.Thr887Met; replaces threonine 887 with methionine.
Molecular consequence: missense variant.
Genome position (GRCh38, 1-based): chr19:16,947,076, G>A on the plus strand (C>T on the coding strand, the complement: CPAMD8 is on the minus strand). VCF-style: chr19-16947076-G-A. GRCh37 (hg19) VCF-style: chr19-17057886-G-A.
Other names: short protein forms T887M.
Identifiers: ClinVar variation 3664733 (VCV003664733.3).